The following is an entry in ClinVar:

ClinVar aggregate classification (germline): Uncertain significance (1 of 4 stars; one submission).

Submission:

GeneDx
Classification: Uncertain significance. Last evaluated: 2019-04-13. Review status: criteria provided, single submitter. Criteria: GeneDx Variant Classification Process June 2021. Collection method: clinical testing. Allele origin: germline. Affected: yes.
Comment: Not observed in large population cohorts (Lek et al., 2016); In silico analysis, which includes protein predictors and evolutionary conservation, supports a deleterious effect; Has not been previously published as pathogenic or benign to our knowledge

NM_001349338.3(FOXP1):c.1482G>C (p.Trp494Cys)

Genes: FOXP1 (forkhead box P1; minus strand), LOC126806714 (BRD4-independent group 4 enhancer GRCh37_chr3:71025197-71026396; plus strand). Cytogenetic location: 3p13.
Variant type: single nucleotide variant.
Coding change: c.1482G>C on transcript NM_001349338.3 (MANE Select); coding-DNA position 1482, G replaced by C.
Protein change: p.Trp494Cys; replaces tryptophan 494 with cysteine.
Molecular consequence: missense variant. On other transcripts: non-coding transcript variant (2).
Genome position (GRCh38, 1-based): chr3:70,976,989, C>G on the plus strand (G>C on the coding strand, the complement: FOXP1 is on the minus strand). VCF-style: chr3-70976989-C-G. GRCh37 (hg19) VCF-style: chr3-71026140-C-G.
Other names: c.1479G>C, p.Trp493Cys (NM_001244808.3, NM_001349341.3); c.1482G>C, p.Trp494Cys (NM_001244810.2, NM_001244814.3, NM_001244816.2 and 2 more transcripts); c.1254G>C, p.Trp418Cys (NM_001244812.3); c.1182G>C, p.Trp394Cys (NM_001244813.3, NM_001244815.2, NM_001349342.3); c.1179G>C, p.Trp393Cys (NM_001349337.2, NM_001349343.3, NM_001349344.3 and 1 more transcripts); short protein forms W393C, W394C, W418C, W493C, W494C.
Identifiers: ClinVar variation 1308587 (VCV001308587.2), dbSNP rs2107298337, ClinGen allele CA353492878.